The following is an entry in ClinVar:

ClinVar aggregate classification (germline): Uncertain significance (1 of 4 stars; one submission).

Conditions:
Immunodeficiency. Identifiers: MedGen C0021051, MONDO:0021094, HP:0002721.

Submission:

Labcorp Genetics (formerly Invitae), Labcorp
Classification: Uncertain significance for Immunodeficiency. Last evaluated: 2022-01-07. Review status: criteria provided, single submitter. Criteria: Invitae Variant Classification Sherloc (09022015). Collection method: clinical testing. Allele origin: germline.
Comment: In summary, the available evidence is currently insufficient to determine the role of this variant in disease. Therefore, it has been classified as a Variant of Uncertain Significance. Algorithms developed to predict the effect of missense changes on protein structure and function (SIFT, PolyPhen-2, Align-GVGD) all suggest that this variant is likely to be tolerated. This variant has not been reported in the literature in individuals affected with NFAT5-related conditions. This variant is not present in population databases (gnomAD no frequency). This sequence change replaces glutamine, which is neutral and polar, with arginine, which is basic and polar, at codon 795 of the NFAT5 protein (p.Gln795Arg).

NM_138713.4(NFAT5):c.2666A>G (p.Gln889Arg)

Gene: NFAT5 (nuclear factor of activated T cells 5; plus strand). Cytogenetic location: 16q22.1.
Variant type: single nucleotide variant.
Coding change: c.2666A>G on transcript NM_138713.4 (MANE Select); coding-DNA position 2666, A replaced by G.
Protein change: p.Gln889Arg; replaces glutamine 889 with arginine.
Molecular consequence: missense variant.
Genome position (GRCh38, 1-based): chr16:69,692,491, A>G. VCF-style: chr16-69692491-A-G. GRCh37 (hg19) VCF-style: chr16-69726394-A-G.
Other names: c.2663A>G, p.Gln888Arg (NM_001113178.3); c.1991A>G, p.Gln664Arg (NM_001367709.1); c.2612A>G, p.Gln871Arg (NM_006599.4); c.2384A>G, p.Gln795Arg (NM_138714.4, NM_173214.3, NM_173215.3); short protein forms Q664R, Q888R, Q795R, Q871R, Q889R.
Identifiers: ClinVar variation 1951637 (VCV001951637.5), dbSNP rs2037586716, ClinGen allele CA396510516.